The following is an entry in ClinVar:

NM_000540.3(RYR1):c.7836-19C>T

Gene: RYR1 (ryanodine receptor 1; plus strand). Cytogenetic location: 19q13.2.
Variant type: single nucleotide variant.
Coding change: c.7836-19C>T on transcript NM_000540.3 (MANE Select); 19 bases into the intron before coding-DNA position 7836, C replaced by T.
Molecular consequence: intron variant.
Genome position (GRCh38, 1-based): chr19:38,502,861, C>T. VCF-style: chr19-38502861-C-T. GRCh37 (hg19) VCF-style: chr19-38993501-C-T.
Other names: c.7836-19C>T (NM_001042723.2).
Identifiers: ClinVar variation 256559 (VCV000256559.13), dbSNP rs201378267, ClinGen allele CA070582.

ClinVar aggregate classification (germline): Likely benign. Review status: criteria provided, multiple submitters, no conflicts (2 of 4 stars). 5 submissions from 5 submitters: Likely benign (5). Last evaluated 2026-02-01.

Conditions:
RYR1-related disorder. Also called: RYR1-related condition; RYR1-related disorders. Identifiers: MedGen CN239331.
Central core myopathy (CMYO1A). Also called: CONGENITAL MYOPATHY 1A, AUTOSOMAL DOMINANT, WITH SUSCEPTIBILITY TO MALIGNANT HYPERTHERMIA; Central core disease; Myopathy, central fibrillar. Identifiers: Orphanet 597, MedGen C5830701, MONDO:0007294, OMIM 117000.
Congenital myopathy with fiber type disproportion. Also called: Congenital fiber-type disproportion myopathy; Congenital fiber-type disproportion. Identifiers: Orphanet 2020, MedGen C0546264, MONDO:0009711. Inheritance: all.
Congenital multicore myopathy with external ophthalmoplegia (CMYO1B). Also called: Congenital myopathy 1B, autosomal recessive; Minicore myopathy; MULTICORE MYOPATHY; Minicore myopathy with external ophthalmoplegia; MULTIMINICORE DISEASE WITH EXTERNAL OPHTHALMOPLEGIA. Identifiers: Orphanet 598, Orphanet 98905, MedGen C1850674, MONDO:0009712, OMIM 255320, HP:0003789.
Malignant hyperthermia, susceptibility to, 1 (MHS1). Also called: RYR1-Related Malignant Hyperthermia Susceptibility; Anesthesia related hyperthermia; Malignant hyperpyrexia; Fulminating hyperpyrexia; Pharmacogenic myopathy; Malignant hyperthermia suceptibility 1. Identifiers: Orphanet 423, MedGen C2930980, MONDO:0007783, OMIM 145600.
King Denborough syndrome (KDS). Identifiers: MedGen C1840365, MONDO:0020485, OMIM 619542.

Allele frequency attached by ClinVar (database versions not stated): gnomAD 0.00090; TOPMed 0.00092; ESP Exome Variant Server 0.00138; 1000 Genomes Project 30x 0.00031; 1000 Genomes Project 0.00040; gnomAD exomes 0.00070; ExAC 0.00088.
gnomAD v4.1: 2,396 of 1,607,646 alleles (0.15%); highest among the groups gnomAD compares: Non-Finnish European, 0.19%; 4 homozygotes.

Submissions (5):

Labcorp Genetics (formerly Invitae), Labcorp
Classification: Likely benign for RYR1-related disorder. Last evaluated: 2026-02-01. Review status: criteria provided, single submitter. Criteria: Invitae Variant Classification Sherloc (09022015). Collection method: clinical testing. Allele origin: germline.

Blueprint Genetics
Classification: Likely benign. Last evaluated: 2024-11-06. Review status: criteria provided, single submitter. Criteria: ACMG Guidelines, 2015. Collection method: clinical testing. Allele origin: germline.

Fulgent Genetics
Classification: Likely benign for Central core myopathy; Malignant hyperthermia, susceptibility to, 1; Congenital myopathy 4A, autosomal dominant; Congenital multicore myopathy with external ophthalmoplegia; King Denborough syndrome. Last evaluated: 2021-08-20. Review status: criteria provided, single submitter. Criteria: ACMG Guidelines, 2015. Collection method: clinical testing. Allele origin: unknown.

GeneDx
Classification: Likely benign. Last evaluated: 2018-01-22. Review status: criteria provided, single submitter. Criteria: GeneDx Variant Classification (06012015). Collection method: clinical testing. Allele origin: germline. Affected: yes.
Comment: This variant is considered likely benign or benign based on one or more of the following criteria: it is a conservative change, it occurs at a poorly conserved position in the protein, it is predicted to be benign by multiple in silico algorithms, and/or has population frequency not consistent with disease.

PreventionGenetics, part of Exact Sciences
Classification: Likely benign. Review status: criteria provided, single submitter. Criteria: ACMG Guidelines, 2015. Collection method: clinical testing. Allele origin: germline.